The following is an entry in ClinVar:

ClinVar aggregate classification (germline): Likely pathogenic (1 of 4 stars; one submission).

Conditions:
Charcot-Marie-Tooth disease axonal type 2T. Identifiers: Orphanet 443950, MedGen C4015635, OMIM 617017, MONDO:0014866.

Submission:

MVZ Medizinische Genetik Mainz
Classification: Likely pathogenic for Charcot-Marie-Tooth disease axonal type 2T. Last evaluated: 2023-07-24. Review status: criteria provided, single submitter. Criteria: UK Practice Guidelines For Variant Classification V4 01 2020. Collection method: clinical testing. Allele origin: germline. Inheritance: Autosomal recessive inheritance. Affected: yes. Observed: 1 variant allele.
Comment: ACMG Criteria: PVS1,PM2_SUP

NM_007289.4(MME):c.1821G>A (p.Trp607Ter)

Gene: MME (membrane metalloendopeptidase; plus strand). Cytogenetic location: 3q25.2.
Variant type: single nucleotide variant.
Coding change: c.1821G>A on transcript NM_007289.4 (MANE Select); coding-DNA position 1821, G replaced by A.
Protein change: p.Trp607Ter; replaces tryptophan 607 with a stop codon.
Molecular consequence: nonsense.
Genome position (GRCh38, 1-based): chr3:155,168,532, G>A. VCF-style: chr3-155168532-G-A. GRCh37 (hg19) VCF-style: chr3-154886321-G-A.
Other names: c.1821G>A, p.Trp607Ter (NM_000902.5, NM_001354642.2, NM_001354643.1 and 2 more transcripts); short protein forms W607*.
Identifiers: ClinVar variation 3236116 (VCV003236116.1), dbSNP rs2473161755, ClinGen allele CA355218459.